The following is an entry in ClinVar:

NM_001009944.3(PKD1):c.11984dup (p.Phe3996fs)

Gene: PKD1 (polycystin 1, transient receptor potential channel interacting; minus strand). Cytogenetic location: 16p13.3.
Variant type: Duplication.
Coding change: c.11984dup on transcript NM_001009944.3 (MANE Select); coding-DNA position 11984, one base duplicated (T; older notation c.11984dupT).
Protein change: p.Phe3996fs; shifts the reading frame from phenylalanine 3996.
Molecular consequence: frameshift variant.
Genome position (GRCh38, 1-based): chr16:2,090,903, A duplicated on the plus strand (T on the coding strand, the reverse complement: PKD1 is on the minus strand). VCF-style (leftmost placement, unchanged base first): chr16-2090902-G-GA. GRCh37 (hg19) VCF-style: chr16-2140903-G-GA.
Other names: c.11981dup, p.Phe3995fs (NM_000296.4); c.11984dupT (NM_001009944.3); short protein forms F3996fs, F3995fs.
Identifiers: ClinVar variation 873377 (VCV000873377.15), dbSNP rs2091483332, ClinGen allele CA1139664267.

ClinVar aggregate classification (germline): Pathogenic. Review status: criteria provided, multiple submitters, no conflicts (2 of 4 stars). 2 submissions from 2 submitters: Pathogenic (2). Last evaluated 2026-04-01.

Conditions:
Polycystic kidney disease, adult type (PKD1). Also called: Polycystic Kidney Disease 1, Autosomal Dominant; Polycystic kidney disease 1; Polycystic kidney disease 1, severe; POLYCYSTIC KIDNEY DISEASE 1 WITH OR WITHOUT POLYCYSTIC LIVER DISEASE; Polycystic Kidney, Autosomal Dominant; POLYCYSTIC KIDNEY DISEASE, ADULT, TYPE I. Identifiers: MedGen C3149841, MONDO:0008263, OMIM 173900.

Submissions (2):

CeGaT Center for Human Genetics Tuebingen
Classification: Pathogenic. Last evaluated: 2026-04-01. Review status: criteria provided, single submitter. Criteria: CeGaT Center For Human Genetics Tuebingen Variant Classification Criteria Version 2. Collection method: clinical testing. Allele origin: germline. Affected: yes. Observed: 2 variant alleles.
Comment: PKD1: PVS1, PM2, PS4:Supporting

Cavalleri Lab, Royal College of Surgeons in Ireland
Classification: Pathogenic for Polycystic kidney disease, adult type. Last evaluated: 2020-02-05. Review status: criteria provided, single submitter. Criteria: ACMG Guidelines, 2015. Collection method: research. Allele origin: unknown. Inheritance: Autosomal dominant inheritance. Affected: yes.
Comment: PVS1, PM2, PP4